The following is an entry in ClinVar:

ClinVar aggregate classification (germline): Pathogenic (1 of 4 stars; one submission).

Conditions:
Hereditary cancer-predisposing syndrome. Also called: Hereditary Cancer Syndrome; Neoplastic Syndromes, Hereditary; Tumor predisposition; Hereditary neoplastic syndrome. Identifiers: Orphanet 140162, MedGen C0027672, MeSH D009386, MONDO:0015356.

Submission:

Ambry Genetics
Classification: Pathogenic for Hereditary cancer-predisposing syndrome. Last evaluated: 2017-02-21. Review status: criteria provided, single submitter. Criteria: Ambry Variant Classification Scheme 2023. Collection method: clinical testing. Allele origin: germline.
Comment: The EX16_18dup gross duplication spans coding exons 16 through 18 in the BRCA1 gene. A gross duplication of this region (designated as dup exons 18-20) was detected in a French breast and ovarian cancer family. RT-PCR analysis supported the duplication occurring in tandem and causing premature truncation (Gad S et al. Oncogene. 2002 Oct 3;21(44):6841-7). Additional analysis to determine breakpoints identified that this duplication is also in tandem and is predicted to result in a premature truncation causing a translational frameshift with a predicted alternate stop codon (Ambry internal data). As such, this alteration is interpreted as a disease-causing mutation.

NM_007294.3:c.5074+925_5277+2098dup

Gene: BRCA1 (BRCA1 DNA repair associated; minus strand).
Variant type: Duplication.
Identifiers: ClinVar variation 1745174 (VCV001745174.2).